The following is an entry in ClinVar:

NM_138713.4(NFAT5):c.693A>G (p.Lys231=)

Gene: NFAT5 (nuclear factor of activated T cells 5; plus strand). Cytogenetic location: 16q22.1.
Variant type: single nucleotide variant.
Coding change: c.693A>G on transcript NM_138713.4 (MANE Select); coding-DNA position 693, A replaced by G.
Protein change: p.Lys231=; no amino-acid change (lysine 231 retained).
Molecular consequence: synonymous variant. On other transcripts: intron variant (1).
Genome position (GRCh38, 1-based): chr16:69,647,467, A>G. VCF-style: chr16-69647467-A-G. GRCh37 (hg19) VCF-style: chr16-69681370-A-G.
Other names: c.693A>G, p.Lys231= (NM_001113178.3); c.639A>G, p.Lys213= (NM_006599.4); c.411A>G, p.Lys137= (NM_138714.4, NM_173214.3, NM_173215.3); c.140+300A>G (NM_001367709.1).
Identifiers: ClinVar variation 719140 (VCV000719140.14), dbSNP rs143392508, ClinGen allele CA8135392.

ClinVar aggregate classification (germline): Benign/Likely benign. Review status: criteria provided, multiple submitters, no conflicts (2 of 4 stars). 3 submissions from 3 submitters: Benign (1); Likely benign (1). 1 of the submissions does not count toward it. Last evaluated 2026-01-27.

Conditions:
NFAT5-related disorder. Also called: NFAT5-related condition.
Immunodeficiency. Identifiers: MedGen C0021051, MONDO:0021094, HP:0002721.

Allele frequency attached by ClinVar (database versions not stated): ESP Exome Variant Server 0.00031; gnomAD 0.00032 and 0.00046; TOPMed 0.00048; gnomAD exomes 0.00058 and 0.00091; 1000 Genomes Project 0.00060; 1000 Genomes Project 30x 0.00078; ExAC 0.00085.
gnomAD v4.1: 987 of 1,613,962 alleles (0.061%); highest among the groups gnomAD compares: Middle Eastern, 0.94%; 5 homozygotes.

Submissions (3):

Labcorp Genetics (formerly Invitae), Labcorp
Classification: Benign for Immunodeficiency. Last evaluated: 2026-01-27. Review status: criteria provided, single submitter. Criteria: Invitae Variant Classification Sherloc (09022015). Collection method: clinical testing. Allele origin: germline.

Blueprint Genetics
Classification: Likely benign. Last evaluated: 2024-11-25. Review status: criteria provided, single submitter. Criteria: ACMG Guidelines, 2015. Collection method: clinical testing. Allele origin: germline.

PreventionGenetics, part of Exact Sciences
Classification: Likely benign for NFAT5-related condition. Last evaluated: 2019-08-29. Review status: no assertion criteria provided. Collection method: clinical testing. Allele origin: germline. Not counted in ClinVar's aggregate classification.
Comment: This variant is classified as likely benign based on ACMG/AMP sequence variant interpretation guidelines (Richards et al. 2015 PMID: 25741868, with internal and published modifications).